The following is an entry in ClinVar:

NM_023110.3(FGFR1):c.1441G>A (p.Gly481Ser)

Gene: FGFR1 (fibroblast growth factor receptor 1; minus strand). Cytogenetic location: 8p11.23.
Variant type: single nucleotide variant.
Coding change: c.1441G>A on transcript NM_023110.3 (MANE Select); coding-DNA position 1441, G replaced by A.
Protein change: p.Gly481Ser; replaces glycine 481 with serine.
Molecular consequence: missense variant.
Genome position (GRCh38, 1-based): chr8:38,417,981, C>T on the plus strand (G>A on the coding strand, the complement: FGFR1 is on the minus strand). VCF-style: chr8-38417981-C-T. GRCh37 (hg19) VCF-style: chr8-38275499-C-T.
Other names: c.1435G>A, p.Gly479Ser (NM_001174063.2, NM_001174065.2, NM_001354367.2 and 1 more transcripts); c.1411G>A, p.Gly471Ser (NM_001174064.2); c.1174G>A, p.Gly392Ser (NM_001174066.2, NM_023105.3); c.1534G>A, p.Gly512Ser (NM_001174067.2); c.1162G>A, p.Gly388Ser (NM_001354368.2); c.1429G>A, p.Gly477Ser (NM_001354369.2, NM_001410922.1); c.1168G>A, p.Gly390Ser (NM_001354370.2, NM_023106.3); short protein forms G388S, G390S, G392S, G471S, G477S, G479S, G481S, G512S.
Identifiers: ClinVar variation 3757903 (VCV003757903.2).

ClinVar aggregate classification (germline): Uncertain significance (1 of 4 stars; one submission).

Conditions:
Pfeiffer syndrome (ACS5). Also called: ACS V. Identifiers: Orphanet 710, MedGen C0220658, MONDO:0007043, OMIM 101600.
Hypogonadotropic hypogonadism 2 with or without anosmia (HH2). Also called: FGFR1-Related GnRH Deficiency (Kallmann Syndrome 2); HYPOGONADOTROPIC HYPOGONADISM 2 WITHOUT ANOSMIA; HYPOGONADOTROPIC HYPOGONADISM 2 WITH OR WITHOUT ANOSMIA, SUSCEPTIBILITY TO; HYPOGONADOTROPIC HYPOGONADISM 2 WITHOUT ANOSMIA, SUSCEPTIBILITY TO. Identifiers: Orphanet 478, MedGen C1563720, MONDO:0007844, OMIM 147950. Disease mechanism: loss of function.

Submission:

Labcorp Genetics (formerly Invitae), Labcorp
Classification: Uncertain significance for Pfeiffer syndrome; Hypogonadotropic hypogonadism 2 with or without anosmia. Last evaluated: 2025-04-11. Review status: criteria provided, single submitter. Criteria: Invitae Variant Classification Sherloc (09022015). Collection method: clinical testing. Allele origin: germline.
Comment: This sequence change replaces glycine, which is neutral and non-polar, with serine, which is neutral and polar, at codon 481 of the FGFR1 protein (p.Gly481Ser). This variant is present in population databases (rs778403497, gnomAD 0.003%). This variant has not been reported in the literature in individuals affected with FGFR1-related conditions. ClinVar contains an entry for this variant (Variation ID: 3757903). Invitae Evidence Modeling of protein sequence and biophysical properties (such as structural, functional, and spatial information, amino acid conservation, physicochemical variation, residue mobility, and thermodynamic stability) indicates that this missense variant is not expected to disrupt FGFR1 protein function with a negative predictive value of 80%. In summary, the available evidence is currently insufficient to determine the role of this variant in disease. Therefore, it has been classified as a Variant of Uncertain Significance.